The following is an entry in ClinVar:

ClinVar aggregate classification (germline): Uncertain significance. Review status: criteria provided, multiple submitters, no conflicts (2 of 4 stars). 2 submissions from 2 submitters: Uncertain significance (2). Last evaluated 2024-12-23.

Conditions:
Renal tubular acidosis, distal, 3, with or without sensorineural hearing loss (DRTA3). Identifiers: MedGen C5399980, MONDO:0011268, OMIM 602722.

Submissions (2):

Labcorp Genetics (formerly Invitae), Labcorp
Classification: Uncertain significance. Last evaluated: 2024-12-23. Review status: criteria provided, single submitter. Criteria: Invitae Variant Classification Sherloc (09022015). Collection method: clinical testing. Allele origin: germline.
Comment: This sequence change replaces glutamic acid, which is acidic and polar, with glycine, which is neutral and non-polar, at codon 797 of the ATP6V0A4 protein (p.Glu797Gly). This variant is not present in population databases (gnomAD no frequency). This variant has not been reported in the literature in individuals affected with ATP6V0A4-related conditions. Invitae Evidence Modeling of protein sequence and biophysical properties (such as structural, functional, and spatial information, amino acid conservation, physicochemical variation, residue mobility, and thermodynamic stability) indicates that this missense variant is expected to disrupt ATP6V0A4 protein function with a positive predictive value of 80%. In summary, the available evidence is currently insufficient to determine the role of this variant in disease. Therefore, it has been classified as a Variant of Uncertain Significance.

Fulgent Genetics
Classification: Uncertain significance for Renal tubular acidosis, distal, 3, with or without sensorineural hearing loss. Last evaluated: 2024-01-31. Review status: criteria provided, single submitter. Criteria: ACMG Guidelines, 2015. Collection method: clinical testing. Allele origin: germline.

NM_020632.3(ATP6V0A4):c.2390A>G (p.Glu797Gly)

Gene: ATP6V0A4 (ATPase H+ transporting V0 subunit a4; minus strand). Cytogenetic location: 7q34.
Variant type: single nucleotide variant.
Coding change: c.2390A>G on transcript NM_020632.3 (MANE Select); coding-DNA position 2390, A replaced by G.
Protein change: p.Glu797Gly; replaces glutamic acid 797 with glycine.
Molecular consequence: missense variant.
Genome position (GRCh38, 1-based): chr7:138,709,663, T>C on the plus strand (A>G on the coding strand, the complement: ATP6V0A4 is on the minus strand). VCF-style: chr7-138709663-T-C. GRCh37 (hg19) VCF-style: chr7-138394408-T-C.
Other names: c.2390A>G, p.Glu797Gly (NM_130840.3, NM_130841.3); short protein forms E797G.
Identifiers: ClinVar variation 3594302 (VCV003594302.3).
Genomic context (GRCh38, chr7:138,709,663, plus strand): 5'-CCAGGGGACAACCATCCTTACCAGTGCAGTCGCAGGGCGTGCAGGAAAGCAGAGAGGCCC[T>C]CCATGATCAGAAGGATGGCTACTGTCAGGACAGCAAATACGGCAAAAATAATAAAAACCC-3'
Protein context (NP_065683.2, residues 787-807): VLTVAILLIM[Glu797Gly]GLSAFLHALR